The following is an entry in ClinVar:

ClinVar aggregate classification (germline): Uncertain significance. Review status: criteria provided, multiple submitters, no conflicts (2 of 4 stars). 5 submissions from 5 submitters: Uncertain significance (5). Last evaluated 2024-06-21.

Conditions:
Cerebrooculofacioskeletal syndrome 2 (COFS2). Identifiers: MedGen C1853102, MONDO:0012553, OMIM 610756.
Xeroderma pigmentosum, group D (XPD). Also called: XERODERMA PIGMENTOSUM, COMPLEMENTATION GROUP D; XERODERMA PIGMENTOSUM IV; XP, GROUP D; XP, GROUP H; ERCC2-Related Xeroderma Pigmentosum. Identifiers: MedGen C0268138, MONDO:0010212, OMIM 278730.
Trichothiodystrophy 1, photosensitive (TTD1). Also called: TAY SYNDROME; TRICHOTHIODYSTROPHY WITH CONGENITAL ICHTHYOSIS; PIBIDS SYNDROME. Identifiers: Orphanet 33364, MedGen C1866504, MONDO:0011125, OMIM 601675.

Allele frequency attached by ClinVar (database versions not stated): gnomAD exomes 0.00002 and 0.00006; ExAC 0.00007; ESP Exome Variant Server 0.00015; TOPMed 0.00022; gnomAD 0.00025 and 0.00029.
gnomAD v4.1: 67 of 1,613,882 alleles (0.0042%); highest among the groups gnomAD compares: African/African-American, 0.08%; no homozygotes.

Submissions (5):

Fulgent Genetics
Classification: Uncertain significance for Xeroderma pigmentosum, group D; Trichothiodystrophy 1, photosensitive; Cerebrooculofacioskeletal syndrome 2. Last evaluated: 2024-06-21. Review status: criteria provided, single submitter. Criteria: ACMG Guidelines, 2015. Collection method: clinical testing. Allele origin: germline.

Blueprint Genetics
Classification: Uncertain significance. Last evaluated: 2024-05-23. Review status: criteria provided, single submitter. Criteria: ACMG Guidelines, 2015. Collection method: clinical testing. Allele origin: germline.

GeneDx
Classification: Uncertain significance. Last evaluated: 2024-03-28. Review status: criteria provided, single submitter. Criteria: GeneDx Variant Classification Process June 2021. Collection method: clinical testing. Allele origin: germline. Affected: yes.
Comment: In silico analysis supports that this missense variant does not alter protein structure/function; This variant is associated with the following publications: (PMID: 34930662, 27085493)

Labcorp Genetics (formerly Invitae), Labcorp
Classification: Uncertain significance. Last evaluated: 2022-09-07. Review status: criteria provided, single submitter. Criteria: Invitae Variant Classification Sherloc (09022015). Collection method: clinical testing. Allele origin: germline.
Comment: This sequence change replaces histidine, which is basic and polar, with glutamine, which is neutral and polar, at codon 154 of the ERCC2 protein (p.His154Gln). This variant is present in population databases (rs139263710, gnomAD 0.1%). This variant has not been reported in the literature in individuals affected with ERCC2-related conditions. ClinVar contains an entry for this variant (Variation ID: 982306). Algorithms developed to predict the effect of missense changes on protein structure and function (SIFT, PolyPhen-2, Align-GVGD) all suggest that this variant is likely to be tolerated. In summary, the available evidence is currently insufficient to determine the role of this variant in disease. Therefore, it has been classified as a Variant of Uncertain Significance.

HudsonAlpha Institute for Biotechnology
Classification: Uncertain significance for Cerebrooculofacioskeletal syndrome 2. Last evaluated: 2020-08-26. Review status: criteria provided, single submitter. Criteria: ACMG Guidelines, 2015. Collection method: research. Allele origin: maternal. Observed: 1 compound heterozygote. Study: CSER-SouthSeq.
Comment: ACMG codes:PM2

NM_000400.4(ERCC2):c.462C>G (p.His154Gln)

Gene: ERCC2 (ERCC excision repair 2, TFIIH core complex helicase subunit; minus strand). Cytogenetic location: 19q13.32.
Variant type: single nucleotide variant.
Coding change: c.462C>G on transcript NM_000400.4 (MANE Select); coding-DNA position 462, C replaced by G.
Protein change: p.His154Gln; replaces histidine 154 with glutamine.
Molecular consequence: missense variant.
Genome position (GRCh38, 1-based): chr19:45,365,057, G>C on the plus strand (C>G on the coding strand, the complement: ERCC2 is on the minus strand). VCF-style: chr19-45365057-G-C. GRCh37 (hg19) VCF-style: chr19-45868315-G-C.
Other names: c.390C>G, p.His130Gln (NM_001130867.2); short protein forms H130Q, H154Q.
Identifiers: ClinVar variation 982306 (VCV000982306.7), dbSNP rs139263710, ClinGen allele CA9513784.